The following is an entry in ClinVar:

NM_001267550.2(TTN):c.103360del (p.Glu34454fs)

Genes: TTN (titin; minus strand), TTN-AS1 (TTN antisense RNA 1; plus strand). Cytogenetic location: 2q31.2.
Variant type: Deletion.
Coding change: c.103360del on transcript NM_001267550.2 (MANE Select); coding-DNA position 103360, one base deleted (G; older notation c.103360delG).
Protein change: p.Glu34454fs; shifts the reading frame from glutamic acid 34454.
Molecular consequence: frameshift variant.
Genome position (GRCh38, 1-based): chr2:178,533,255, C deleted on the plus strand (G on the coding strand, the reverse complement: TTN is on the minus strand); the first of 2 consecutive C bases (chr2:178,533,255-178,533,256); deleting either gives the same sequence. VCF-style (leftmost placement, unchanged base first): chr2-178533254-TC-T. GRCh37 (hg19) VCF-style: chr2-179397981-TC-T.
Other names: p.Glu32813Asnfs*3; c.103360del (LRG_391t1, NM_001267550.1); c.98437del, p.Glu32813fs (NM_001256850.1); c.76165del, p.Glu25389fs (NM_003319.4); c.95656del, p.Glu31886fs (NM_133378.4); c.76540del, p.Glu25514fs (NM_133432.3); c.76741del, p.Glu25581fs (NM_133437.4); c.76165delG (NM_003319.4); and 2 more; short protein forms E25514fs, E25581fs, E32813fs, E25389fs, E31886fs, E34454fs.
Identifiers: ClinVar variation 374145 (VCV000374145.82), dbSNP rs760768093, ClinGen allele CA1985617.

ClinVar aggregate classification (germline): Pathogenic/Likely pathogenic. Review status: criteria provided, multiple submitters, no conflicts (2 of 4 stars). 19 submissions from 18 submitters: Pathogenic (12); Likely pathogenic (6). 1 of the submissions does not count toward it. Last evaluated 2026-02-06.

Conditions:
TTN-related disorder. Also called: TTN-related condition; TTN-related disease; TTN-related disorders.
Autosomal recessive limb-girdle muscular dystrophy type 2J (LGMDR10). Also called: MUSCULAR DYSTROPHY, LIMB-GIRDLE, AUTOSOMAL RECESSIVE 10; Limb-girdle muscular dystrophy, type 2J. Identifiers: Orphanet 140922, MedGen C1837342, MONDO:0012127, OMIM 608807.
Tibial muscular dystrophy (TMD). Also called: UDD MYOPATHY; Udd Distal Myopathy – Tibial Muscular Dystrophy; Tibial muscular dystrophy, tardive. Identifiers: Orphanet 609, MedGen C1838244, MONDO:0010870, OMIM 600334.
Hypertrophic cardiomyopathy 9. Also called: Familial hypertrophic cardiomyopathy 9. Identifiers: MedGen C1861065, MONDO:0013412, OMIM 613765.
Left ventricular noncompaction cardiomyopathy. Also called: left ventricular non-compaction cardiomyopathy. Identifiers: MedGen C4021133, HP:0011664.
Dilated cardiomyopathy 1G (CMD1G). Identifiers: Orphanet 154, MedGen C1858763, MONDO:0011400, OMIM 604145.
Autosomal recessive titinopathy. Identifiers: MedGen CN315649, MONDO:0100493.
Cardiovascular phenotype. Identifiers: MedGen CN230736.
Primary dilated cardiomyopathy (DCM). Also called: Dilated Cardiomyopathy. Identifiers: Orphanet 217604, MedGen C0007193, MeSH D002311, MONDO:0005021, HP:0001644. Inheritance: Various modes of inheritance.
Decreased patellar reflex. Identifiers: MedGen C3277184, HP:0011808.
Waddling gait. Identifiers: MedGen C0231712, HP:0002515.
Muscular dystrophy. Identifiers: Orphanet 98473, MedGen C0026850, MeSH D009136, MONDO:0020121, HP:0003560.
Limb-girdle muscular dystrophy (LGMD). Also called: Muscular Dystrophies, Limb-Girdle. Identifiers: Orphanet 263, MedGen C0686353, MeSH D049288, MONDO:0016971, HP:0006785.
Proximal lower limb amyotrophy. Identifiers: MedGen C1836767, HP:0008956.

Submissions 1 to 7 of 19:

Myofin, Folkhalsan Research Center
Classification: Pathogenic for Autosomal recessive titinopathy. Last evaluated: 2026-02-06. Review status: criteria provided, single submitter. Criteria: ACMG Guidelines, 2015. Collection method: research. Allele origin: germline. Affected: yes.
Comment: TTN loss-of-function is an established mechanism for autosomal recessive titinopathies. ACMG/AMP criteria applied: PVS1 (predicted loss of function), PM2_Supporting (absent/rare in population databases), and PP4_Supporting (highly consistent clinical phenotype). Overall classification: Pathogenic for recessive titinopathy.

Labcorp Genetics (formerly Invitae), Labcorp
Classification: Pathogenic for Dilated cardiomyopathy 1G; Autosomal recessive limb-girdle muscular dystrophy type 2J. Last evaluated: 2026-01-11. Review status: criteria provided, single submitter. Criteria: Invitae Variant Classification Sherloc (09022015). Collection method: clinical testing. Allele origin: germline.
Comment: This sequence change creates a premature translational stop signal (p.Glu34454Asnfs*3) in the TTN gene. While this is not anticipated to result in nonsense mediated decay, it is expected to create a truncated TTN protein. This variant is present in population databases (rs760768093, gnomAD 0.004%). This premature translational stop signal has been observed in individuals with dilated cardiomyopathy, left ventricular noncompaction cardiomyopathy, and /or autosomal recessive distal myopathy (PMID: 28295036, 34540771, 35653365). ClinVar contains an entry for this variant (Variation ID: 374145). This variant is located in the M band of TTN (PMID: 25589632). Truncating variants in this region have been previously reported in individuals affected with autosomal dominant or autosomal recessive myopathy and muscular dystrophy (PMID: 18948003, 23975875, 24395473). Truncating variants in this region have also been identified in individuals affected with autosomal dominant dilated cardiomyopathy and/or cardio-related conditions (PMID: 27869827, 32964742, internal data). For these reasons, this variant has been classified as Pathogenic.

Victorian Clinical Genetics Services, Murdoch Childrens Research Institute
Classification: Pathogenic for Dilated cardiomyopathy 1G. Last evaluated: 2025-07-03. Review status: criteria provided, single submitter. Criteria: ACMG Guidelines, 2015. Collection method: clinical testing. Allele origin: germline. Affected: yes.
Comment: This variant is classified as Pathogenic. Evidence in support of pathogenic classification: Variant is predicted to cause nonsense-mediated decay (NMD) and loss of protein (premature termination codon is located at least 54 nucleotides upstream of the final exon-exon junction); Variant is present in gnomAD <0.01 (v4: 26 heterozygote(s), 0 homozygote(s)); This variant has strong previous evidence of pathogenicity in unrelated individuals. This variant has been classified as likely pathogenic or pathogenic by multiple clinical laboratories in ClinVar. Additionally, it has been reported in the literature in a compound heterozygous state in individuals with autosomal recessive myopathy, and in a heterozygous state in individuals with left ventricular non-compaction cardiomyopathy or dilated cardiomyopathy (PMIDs: 28295036, 32778822, 37342443, 38380180, 37178278); Other NMD-predicted variants comparable to the one identified in this case have strong previous evidence for pathogenicity (ClinVar). Additional information: This variant is heterozygous; This gene is associated with both recessive and dominant disease (OMIM); Variant is located in the annotated M-band and the exon has a PSI score of 100% (PMID: 25589632); Loss of function is a known mechanism of disease in this gene. In addition, dominant negative is also a suggested mechanism (PMID: 25589632); The condition associated with this gene has incomplete penetrance. Variants in this gene that result in a premature termination codon (PTC) are known to have reduced penetrance in DCM (PMID: 25589632); Inheritance information for this variant is not currently available in this individual.

Laboratory of Genetics, Children's Clinical University Hospital Latvia
Classification: Pathogenic. Last evaluated: 2025-02-16. Review status: criteria provided, single submitter. Criteria: ACMG Guidelines, 2015. Collection method: clinical testing. Allele origin: germline. Affected: yes.

PreventionGenetics, part of Exact Sciences
Classification: Pathogenic for TTN-related condition. Last evaluated: 2025-01-22. Review status: criteria provided, single submitter. Criteria: ACMG Guidelines, 2015. Collection method: clinical testing. Allele origin: germline.
Comment: The TTN c.103360delG variant is predicted to result in a frameshift and premature protein termination (p.Glu34454Asnfs*3). This variant has been reported with a second TTN variant in individuals with distal myopathy or limb-girdle muscular dystrophy (see, for example, Perić et al. 2017. PubMed ID: 28295036; Savarese et al. 2020. PubMed ID: 32778822; Babić Božović et al. 2021. PubMed ID: 34106991). It has also been reported in the heterozygous state in an individual with dilated cardiomyopathy (Supplementary S9, Stava et al. 2022. PubMed ID: 35653365) and an individual with left ventricular noncompaction cardiomyopathy (Supplementary Table 1, Schultze-Berndt et al. 2021. PubMed ID: 34540771). This variant occurs in exon 359, which is located in the M-band region of the TTN protein. Exons 359-364 (Mex1-Mex6) have historically been found to harbor a significant number of pathogenic variants for TTN-related autosomal dominant and recessive muscle disorders (Hackman et al. 2002. PMID: 12145747; Evilä et al. 2014. PMID: 24395473). RNAseq studies from heart tissue indicate this exon is commonly expressed in TTN mRNA transcripts (PSI of 100%, Roberts et al. 2015. PMID: 25589632). TTN truncating variants are reported in 1-2% of presumably healthy individuals and occur more frequently in exons with low PSI values (Roberts et al. 2015. PMID: 25589632; Herman et al. 2012. PMID: 22335739). This variant is reported in 0.0047% of alleles in individuals of European (non-Finnish) descent in gnomAD. In summary, the c.103360del variant is interpreted as pathogenic for TTN-related disorders. Of note, TTN truncating variants show incomplete and age-dependent penetrance in regards to autosomal dominant dilated cardiomyopathy.

Blueprint Genetics
Classification: Pathogenic for TTN-related disorders. Last evaluated: 2024-11-08. Review status: criteria provided, single submitter. Criteria: ACMG Guidelines, 2015. Collection method: clinical testing. Allele origin: germline. Affected: yes. Observed: 5 variant alleles.

CeGaT Center for Human Genetics Tuebingen
Classification: Likely pathogenic. Last evaluated: 2023-11-01. Review status: criteria provided, single submitter. Criteria: CeGaT Center For Human Genetics Tuebingen Variant Classification Criteria Version 2. Collection method: clinical testing. Allele origin: germline. Affected: yes. Observed: 6 variant alleles.
Comment: TTN: PVS1:Strong, PM2, PS4:Moderate